The following is an entry in ClinVar:

NM_000046.5(ARSB):c.1140_1142+2del

Gene: ARSB (arylsulfatase B; minus strand). Cytogenetic location: 5q14.1.
Variant type: Deletion.
Coding change: c.1140_1142+2del on transcript NM_000046.5 (MANE Select); coding-DNA position 1140 through the canonical splice donor site of the intron after coding-DNA position 1142, 5 bases deleted (CAGGT; older notation c.1140_1142+2delCAGGT).
Molecular consequence: splice donor variant.
Genome position (GRCh38, 1-based): chr5:78,885,582-78,885,586, ACCTG deleted on the plus strand (CAGGT on the coding strand, the reverse complement: ARSB is on the minus strand); deleting any 5 consecutive bases within chr5:78,885,582-78,885,587 gives the same sequence; the c. name uses the placement nearest the transcript's 3' end. VCF-style (leftmost placement, unchanged base first): chr5-78885581-TACCTG-T. GRCh37 (hg19) VCF-style: chr5-78181404-TACCTG-T.
Other names: c.1140_1142+2del (NM_198709.3).
Identifiers: ClinVar variation 952620 (VCV000952620.8), dbSNP rs1747980506, ClinGen allele CA1139658899.

ClinVar aggregate classification (germline): Likely pathogenic (1 of 4 stars; one submission).

Conditions:
Mucopolysaccharidosis type 6 (MPS6). Also called: N-ACETYLGALACTOSAMINE-4-SULFATASE DEFICIENCY; ARSB DEFICIENCY; ARYLSULFATASE B DEFICIENCY; MPS 6; Maroteaux Lamy syndrome; MPS VI. Identifiers: Orphanet 583, MedGen C0026709, MONDO:0009661, OMIM 253200.

Submission:

Labcorp Genetics (formerly Invitae), Labcorp
Classification: Likely pathogenic for Mucopolysaccharidosis type 6. Last evaluated: 2019-04-16. Review status: criteria provided, single submitter. Criteria: Invitae Variant Classification Sherloc (09022015). Collection method: clinical testing. Allele origin: germline.
Comment: This variant is a deletion of the genomic region encompassing part of exon 5 (c.1140_1142+2del) of the ARSB gene. It is expected to disrupt RNA splicing and likely results in an absent or disrupted protein product. In summary, the currently available evidence indicates that the variant is pathogenic, but additional data are needed to prove that conclusively. Therefore, this variant has been classified as Likely Pathogenic. Loss-of-function variants in ARSB are known to be pathogenic (PMID: 17458871, 22133300). Algorithms developed to predict the effect of sequence changes on RNA splicing suggest that this variant may disrupt the consensus splice site, but this prediction has not been confirmed by published transcriptional studies. This variant has not been reported in the literature in individuals with ARSB-related conditions. This variant is not present in population databases (ExAC no frequency).

Literature cited by the submitters: PubMed 17458871; PubMed 22133300.